The following is an entry in ClinVar:

NM_000135.4(FANCA):c.4215G>C (p.Gln1405His)

Genes: ZNF276 (zinc finger protein 276; plus strand), FANCA (FA complementation group A; minus strand). Cytogenetic location: 16q24.3.
Variant type: single nucleotide variant.
Coding change: c.4215G>C on transcript NM_000135.4 (MANE Select); coding-DNA position 4215, G replaced by C.
Protein change: p.Gln1405His; replaces glutamine 1405 with histidine.
Molecular consequence: missense variant. On other transcripts: 3 prime UTR variant (2), non-coding transcript variant (4).
Genome position (GRCh38, 1-based): chr16:89,738,927, C>G on the plus strand (G>C on the coding strand, the complement: FANCA is on the minus strand). VCF-style: chr16-89738927-C-G. GRCh37 (hg19) VCF-style: chr16-89805335-C-G.
Other names: c.4219G>C, p.Val1407Leu (NM_001286167.3); c.*681C>G (NM_001113525.2, NM_152287.4); short protein forms Q1405H, V1407L.
Identifiers: ClinVar variation 4254306 (VCV004254306.1).

ClinVar aggregate classification (germline): Uncertain significance (1 of 4 stars; one submission).

Conditions:
Inborn genetic diseases. Identifiers: MedGen C0950123, MeSH D030342.

gnomAD v4.1: 3 of 1,614,278 alleles (0.00019%); highest among the groups gnomAD compares: Non-Finnish European, 0.00025%; no homozygotes.

Submission:

Ambry Genetics
Classification: Uncertain significance for Inborn genetic diseases. Last evaluated: 2025-08-22. Review status: criteria provided, single submitter. Criteria: Ambry Variant Classification Scheme 2023. Collection method: clinical testing. Allele origin: germline.
Comment: The p.Q1405H variant (also known as c.4215G>C), located in coding exon 42 of the FANCA gene, results from a G to C substitution at nucleotide position 4215. The glutamine at codon 1405 is replaced by histidine, an amino acid with highly similar properties. This amino acid position is conserved. In addition, this alteration is predicted to be tolerated by in silico analysis. Based on the available evidence, the clinical significance of this variant remains unclear.